The following is an entry in ClinVar:

NM_178138.6(LHX3):c.79+1949_79+1950delinsA

Gene: LHX3 (LIM homeobox 3; minus strand). Cytogenetic location: 9q34.3.
Variant type: Indel.
Coding change: c.79+1949_79+1950delinsA on transcript NM_178138.6 (MANE Select); bases 1949 to 1950 of the intron after coding-DNA position 79, CT replaced by A.
Molecular consequence: intron variant. On other transcripts: frameshift variant (1).
Genome position (GRCh38, 1-based): chr9:136,202,984-136,202,985, AG replaced by T on the plus strand (CT replaced by A on the coding strand, the reverse complement: LHX3 is on the minus strand). VCF-style: chr9-136202984-AG-T. GRCh37 (hg19) VCF-style: chr9-139094830-AG-T.
Other names: c.55_56delinsA, p.Leu19fs (NM_014564.5); short protein forms L19fs.
Identifiers: ClinVar variation 4815724 (VCV004815724.1).

ClinVar aggregate classification (germline): Likely pathogenic (1 of 4 stars; one submission).

Conditions:
Non-acquired combined pituitary hormone deficiency with spine abnormalities (CPHD3). Also called: Winkelman Bethge Pfeiffer syndrome; WBP syndrome; Combined pituitary hormone deficiency type 3. Identifiers: Orphanet 231720, MedGen C3489787, MONDO:0009091, OMIM 221750.

Submission:

Natera, Inc.
Classification: Likely pathogenic for Combined pituitary hormone deficiency type 3. Last evaluated: 2025-09-11. Review status: criteria provided, single submitter. Criteria: Natera Variant Classification Schema (03/2026). Collection method: clinical testing. Allele origin: germline.
Comment: The c.55_56delinsA variant in LHX3 is a frameshift variant predicted to shift the reading frame beginning at codon 19 and leads to a stop codon 2 codons downstream. This variant is expected to result in nonsense mediated decay, truncation, or a dysfunctional protein product. This variant is rare in the general population with a frequency below the threshold expected for the associated phenotype(s). Given the available evidence, this variant is classified as Likely Pathogenic.